The following is an entry in ClinVar:

ClinVar aggregate classification (germline): Pathogenic (1 of 4 stars; one submission).

Conditions:
Mucopolysaccharidosis, MPS-II (MPS2). Also called: Hunter Syndrome; IDURONATE 2-SULFATASE DEFICIENCY; Mucopolysaccharidosis Type II; Mucopolysaccharidosis type 2; Attenuated MPS (subtype; formerly known as mild MPS II); Severe MPS II. Identifiers: Orphanet 580, Orphanet 79388, MedGen C0026705, MONDO:0010674, OMIM 309900.

Submission:

Laboratory of Diagnosis and Therapy of Lysosomal Disorders, University of Padova
Classification: Pathogenic for Mucopolysaccharidosis, MPS-II. Last evaluated: 2024-06-07. Review status: criteria provided, single submitter. Criteria: ACMG Guidelines, 2015. Collection method: literature only. Allele origin: germline. Affected: yes. Observed: 1 variant allele.
Comment: Null variant (PVS1_VeryStrong), Absent from controls (or at low frequency) in gnomAD database (PM2_Moderate), Patient’s phenotype or family history highly specific for the disease (PP4_Moderate)

Classification method: ACMG Guidelines [PMID:25741868] with modifications

Literature cited by the submitters: PubMed 20104590; PubMed 28477385.

NM_000202.8(IDS):c.9_10insT (p.Pro4fs)

Genes: IDS (iduronate 2-sulfatase; minus strand), LOC130068781 (ATAC-STARR-seq lymphoblastoid active region 30015; plus strand). Cytogenetic location: Xq28.
Variant type: Insertion.
Coding change: c.9_10insT on transcript NM_000202.8 (MANE Select); coding-DNA positions 9 to 10, T inserted.
Protein change: p.Pro4fs; shifts the reading frame from proline 4.
Molecular consequence: frameshift variant. On other transcripts: 5 prime UTR variant (1), non-coding transcript variant (1).
Genome position: GRCh38 VCF-style: chrX-149505128-G-GA. GRCh37 (hg19) VCF-style: chrX-148586658-G-GA.
Other names: c.-218_-217insT (NM_001166550.4); c.9_10insT, p.Pro4fs (NM_006123.5); short protein forms P4fs.
Identifiers: ClinVar variation 3255698 (VCV003255698.2).